The following is an entry in ClinVar:

ClinVar aggregate classification (germline): Uncertain significance (1 of 4 stars; one submission).

Submission:

Labcorp Genetics (formerly Invitae), Labcorp
Classification: Uncertain significance. Last evaluated: 2024-12-17. Review status: criteria provided, single submitter. Criteria: Invitae Variant Classification Sherloc (09022015). Collection method: clinical testing. Allele origin: germline.
Comment: This sequence change replaces alanine, which is neutral and non-polar, with glycine, which is neutral and non-polar, at codon 1970 of the CACNA1B protein (p.Ala1970Gly). This variant is not present in population databases (gnomAD no frequency). This variant has not been reported in the literature in individuals affected with CACNA1B-related conditions. Invitae Evidence Modeling of protein sequence and biophysical properties (such as structural, functional, and spatial information, amino acid conservation, physicochemical variation, residue mobility, and thermodynamic stability) indicates that this missense variant is not expected to disrupt CACNA1B protein function with a negative predictive value of 80%. In summary, the available evidence is currently insufficient to determine the role of this variant in disease. Therefore, it has been classified as a Variant of Uncertain Significance.

NM_000718.4(CACNA1B):c.5909C>G (p.Ala1970Gly)

Gene: CACNA1B (calcium voltage-gated channel subunit alpha1 B; plus strand). Cytogenetic location: 9q34.3.
Variant type: single nucleotide variant.
Coding change: c.5909C>G on transcript NM_000718.4 (MANE Select); coding-DNA position 5909, C replaced by G.
Protein change: p.Ala1970Gly; replaces alanine 1970 with glycine.
Molecular consequence: missense variant.
Genome position (GRCh38, 1-based): chr9:138,118,077, C>G. VCF-style: chr9-138118077-C-G. GRCh37 (hg19) VCF-style: chr9-141012529-C-G.
Other names: c.5909C>G, p.Ala1970Gly (NM_001243812.2); short protein forms A1970G.
Identifiers: ClinVar variation 3724568 (VCV003724568.2).